The following is an entry in ClinVar:

ClinVar aggregate classification (germline): Uncertain significance (1 of 4 stars; one submission).

Allele frequency attached by ClinVar (database versions not stated): ESP Exome Variant Server 0.00008.
gnomAD v4.1: 30 of 1,610,232 alleles (0.0019%); highest among the groups gnomAD compares: Non-Finnish European, 0.0022%; no homozygotes.

Submission:

Labcorp Genetics (formerly Invitae), Labcorp
Classification: Uncertain significance. Last evaluated: 2021-06-02. Review status: criteria provided, single submitter. Criteria: Invitae Variant Classification Sherloc (09022015). Collection method: clinical testing. Allele origin: germline.
Comment: In summary, the available evidence is currently insufficient to determine the role of this variant in disease. Therefore, it has been classified as a Variant of Uncertain Significance. Algorithms developed to predict the effect of missense changes on protein structure and function (SIFT, PolyPhen-2, Align-GVGD) all suggest that this variant is likely to be tolerated, but these predictions have not been confirmed by published functional studies and their clinical significance is uncertain. This variant has not been reported in the literature in individuals with INPPL1-related conditions. This variant is present in population databases (rs373971775, ExAC 0.002%). This sequence change replaces arginine with proline at codon 121 of the INPPL1 protein (p.Arg121Pro). The arginine residue is moderately conserved and there is a moderate physicochemical difference between arginine and proline.

NM_001567.4(INPPL1):c.362G>C (p.Arg121Pro)

Gene: INPPL1 (inositol polyphosphate phosphatase like 1; plus strand). Cytogenetic location: 11q13.4.
Variant type: single nucleotide variant.
Coding change: c.362G>C on transcript NM_001567.4 (MANE Select); coding-DNA position 362, G replaced by C.
Protein change: p.Arg121Pro; replaces arginine 121 with proline.
Molecular consequence: missense variant.
Genome position (GRCh38, 1-based): chr11:72,228,463, G>C. VCF-style: chr11-72228463-G-C. GRCh37 (hg19) VCF-style: chr11-71939507-G-C.
Other names: short protein forms R121P.
Identifiers: ClinVar variation 1448453 (VCV001448453.6), dbSNP rs373971775, ClinGen allele CA6169630.